The following is an entry in ClinVar:

ClinVar aggregate classification (germline): Conflicting classifications of pathogenicity. Review status: criteria provided, conflicting classifications (1 of 4 stars). 2 submissions from 2 submitters: Uncertain significance (1); Likely benign (1). Last evaluated 2026-02-20.

Allele frequency attached by ClinVar (database versions not stated): gnomAD 0.00001; TOPMed 0.00002; gnomAD exomes 0.00001; ExAC 0.00004.

Submissions (2):

Dasa
Classification: Uncertain significance. Last evaluated: 2026-02-20. Review status: criteria provided, single submitter. Criteria: DASA Assertion Criteria. Collection method: clinical testing. Allele origin: germline.
Comment: NM_001291969.2(POLH):c.2T>C (p.Met1?) is a start-loss variant predicted to alter the translation initiation codon and impair normal protein translation. This variant is rare in population databases. Computational prediction algorithms are consistent with a benign effect. The currently available literature and clinical evidence are not sufficient to establish a definitive association between this variant and the reported condition. Therefore, this variant is classified as a variant of uncertain significance.

Labcorp Genetics (formerly Invitae), Labcorp
Classification: Likely benign. Last evaluated: 2024-02-11. Review status: criteria provided, single submitter. Criteria: Invitae Variant Classification Sherloc (09022015). Collection method: clinical testing. Allele origin: germline.

NM_006502.3(POLH):c.156T>C (p.Tyr52=)

Gene: POLH (DNA polymerase eta; plus strand). Cytogenetic location: 6p21.1.
Variant type: single nucleotide variant.
Coding change: c.156T>C on transcript NM_006502.3 (MANE Select); coding-DNA position 156, T replaced by C.
Protein change: p.Tyr52=; no amino-acid change (tyrosine 52 retained).
Molecular consequence: synonymous variant. On other transcripts: missense variant (1), initiator codon variant (1).
Genome position (GRCh38, 1-based): chr6:43,583,025, T>C. VCF-style: chr6-43583025-T-C. GRCh37 (hg19) VCF-style: chr6-43550762-T-C.
Other names: c.2T>C, p.Met1Thr (NM_001291969.2); c.156T>C, p.Tyr52= (NM_001291970.2); short protein forms M1T.
Identifiers: ClinVar variation 2897260 (VCV002897260.5), dbSNP rs762156627, ClinGen allele CA3826898.